The following is an entry in ClinVar:

NM_021930.6(RINT1):c.595A>C (p.Ile199Leu)

Gene: RINT1 (RAD50 interactor 1; plus strand). Cytogenetic location: 7q22.3.
Variant type: single nucleotide variant.
Coding change: c.595A>C on transcript NM_021930.6 (MANE Select); coding-DNA position 595, A replaced by C.
Protein change: p.Ile199Leu; replaces isoleucine 199 with leucine.
Molecular consequence: missense variant. On other transcripts: 5 prime UTR variant (2), non-coding transcript variant (1), intron variant (1).
Genome position (GRCh38, 1-based): chr7:105,546,989, A>C. VCF-style: chr7-105546989-A-C. GRCh37 (hg19) VCF-style: chr7-105187436-A-C.
Other names: c.361A>C, p.Ile121Leu (NM_001346599.2); c.-425A>C (NM_001346600.2); c.-328A>C (NM_001346601.2); c.-27-3066A>C (NM_001346603.2); short protein forms I121L, I199L.
Identifiers: ClinVar variation 1750708 (VCV001750708.2), dbSNP rs552778762, ClinGen allele CA368805447.

ClinVar aggregate classification (germline): Uncertain significance (1 of 4 stars; one submission).

Submission:

Ambry Genetics
Classification: Uncertain significance. Last evaluated: 2021-02-15. Review status: criteria provided, single submitter. Criteria: Ambry Variant Classification Scheme 2023. Collection method: clinical testing. Allele origin: germline.
Comment: The p.I199L variant (also known as c.595A>C), located in coding exon 5 of the RINT1 gene, results from an A to C substitution at nucleotide position 595. The isoleucine at codon 199 is replaced by leucine, an amino acid with highly similar properties. This amino acid position is not well conserved in available vertebrate species. In addition, this alteration is predicted to be tolerated by in silico analysis. Since supporting evidence is limited at this time, the clinical significance of this alteration remains unclear.